The following is an entry in ClinVar:

ClinVar aggregate classification (germline): Uncertain significance (1 of 4 stars; one submission).

Submission:

GeneDx
Classification: Uncertain significance. Last evaluated: 2024-12-18. Review status: criteria provided, single submitter. Criteria: GeneDx Variant Classification Process June 2021. Collection method: clinical testing. Allele origin: germline. Affected: yes.
Comment: Not observed at significant frequency in large population cohorts (gnomAD); In silico analysis supports that this missense variant has a deleterious effect on protein structure/function; Has not been previously published as pathogenic or benign to our knowledge

NM_006496.4(GNAI3):c.974G>T (p.Cys325Phe)

Gene: GNAI3 (G protein subunit alpha i3; plus strand). Cytogenetic location: 1p13.3.
Variant type: single nucleotide variant.
Coding change: c.974G>T on transcript NM_006496.4 (MANE Select); coding-DNA position 974, G replaced by T.
Protein change: p.Cys325Phe; replaces cysteine 325 with phenylalanine.
Molecular consequence: missense variant.
Genome position (GRCh38, 1-based): chr1:109,592,142, G>T. VCF-style: chr1-109592142-G-T. GRCh37 (hg19) VCF-style: chr1-110134764-G-T.
Other names: short protein forms C325F.
Identifiers: ClinVar variation 3906772 (VCV003906772.1).